The following is an entry in ClinVar:

NM_001393504.1(MAST3):c.327C>T (p.Asp109=)

Genes: MAST3 (microtubule associated serine/threonine kinase 3; plus strand), LOC126862876 (BRD4-independent group 4 enhancer GRCh37_chr19:18232970-18234169; plus strand). Cytogenetic location: 19p13.11.
Variant type: single nucleotide variant.
Coding change: c.327C>T on transcript NM_001393504.1 (MANE Select); coding-DNA position 327, C replaced by T.
Protein change: p.Asp109=; no amino-acid change (aspartic acid 109 retained).
Molecular consequence: synonymous variant.
Genome position (GRCh38, 1-based): chr19:18,122,679, C>T. VCF-style: chr19-18122679-C-T. GRCh37 (hg19) VCF-style: chr19-18233489-C-T.
Other names: c.351C>T, p.Asp117= (NM_001393501.1); c.330C>T, p.Asp110= (NM_001393502.1); c.327C>T, p.Asp109= (NM_001393503.1); c.324C>T, p.Asp108= (NM_001393505.1); c.279C>T, p.Asp93= (NM_001393506.1, NM_001393513.1); c.306C>T, p.Asp102= (NM_001393507.1); c.261C>T, p.Asp87= (NM_001393508.1, NM_001393516.1); c.258C>T, p.Asp86= (NM_001393509.1, NM_001393510.1, NM_001393512.1 and 2 more transcripts); and 4 more.
Identifiers: ClinVar variation 3358337 (VCV003358337.1).

ClinVar aggregate classification (germline): Likely benign (0 of 4 stars; one submission).

Conditions:
MAST3-related disorder.

gnomAD v4.1: 333 of 1,612,994 alleles (0.021%); highest among the groups gnomAD compares: Middle Eastern, 0.12%; no homozygotes.

Submission:

PreventionGenetics, part of Exact Sciences
Classification: Likely benign for MAST3-related condition. Last evaluated: 2024-09-06. Review status: no assertion criteria provided. Collection method: clinical testing. Allele origin: germline.
Comment: This variant is classified as likely benign based on ACMG/AMP sequence variant interpretation guidelines (Richards et al. 2015 PMID: 25741868, with internal and published modifications).